The following is an entry in ClinVar:

NM_000553.6(WRN):c.92G>T (p.Arg31Ile)

Gene: WRN (WRN RecQ like helicase; plus strand). Cytogenetic location: 8p12.
Variant type: single nucleotide variant.
Coding change: c.92G>T on transcript NM_000553.6 (MANE Select); coding-DNA position 92, G replaced by T.
Protein change: p.Arg31Ile; replaces arginine 31 with isoleucine.
Molecular consequence: missense variant.
Genome position (GRCh38, 1-based): chr8:31,058,539, G>T. VCF-style: chr8-31058539-G-T. GRCh37 (hg19) VCF-style: chr8-30916055-G-T.
Other names: short protein forms R31I.
Identifiers: ClinVar variation 1021575 (VCV001021575.3), dbSNP rs1812362679, ClinGen allele CA370912290.

ClinVar aggregate classification (germline): Uncertain significance (1 of 4 stars; one submission).

Conditions:
Werner syndrome (WRN). Identifiers: Orphanet 902, MedGen C0043119, MONDO:0010196, OMIM 277700.

Submission:

Labcorp Genetics (formerly Invitae), Labcorp
Classification: Uncertain significance for Werner syndrome. Last evaluated: 2020-02-07. Review status: criteria provided, single submitter. Criteria: Invitae Variant Classification Sherloc (09022015). Collection method: clinical testing. Allele origin: germline.
Comment: In summary, the available evidence is currently insufficient to determine the role of this variant in disease. Therefore, it has been classified as a Variant of Uncertain Significance. Algorithms developed to predict the effect of missense changes on protein structure and function are either unavailable or do not agree on the potential impact of this missense change (SIFT: "Not available"; PolyPhen-2: "Benign"; Align-GVGD: "Not available"). This variant has not been reported in the literature in individuals with WRN-related conditions. This variant is not present in population databases (ExAC no frequency). This sequence change replaces arginine with isoleucine at codon 31 of the WRN protein (p.Arg31Ile). The arginine residue is weakly conserved and there is a moderate physicochemical difference between arginine and isoleucine.